The following is an entry in ClinVar:

NM_022773.4(LMF1):c.712A>G (p.Met238Val)

Gene: LMF1 (lipase maturation factor 1; minus strand). Cytogenetic location: 16p13.3.
Variant type: single nucleotide variant.
Coding change: c.712A>G on transcript NM_022773.4 (MANE Select); coding-DNA position 712, A replaced by G.
Protein change: p.Met238Val; replaces methionine 238 with valine.
Molecular consequence: missense variant. On other transcripts: non-coding transcript variant (1).
Genome position (GRCh38, 1-based): chr16:893,024, T>C on the plus strand (A>G on the coding strand, the complement: LMF1 is on the minus strand). VCF-style: chr16-893024-T-C. GRCh37 (hg19) VCF-style: chr16-943024-T-C.
Other names: c.61A>G, p.Met21Val (NM_001352017.2, NM_001352021.2); c.313A>G, p.Met105Val (NM_001352018.2); c.385A>G, p.Met129Val (NM_001352019.2); c.712A>G, p.Met238Val (NM_001352020.1); short protein forms M105V, M129V, M21V, M238V.
Identifiers: ClinVar variation 4859227 (VCV004859227.1).

ClinVar aggregate classification (germline): Uncertain significance (1 of 4 stars; one submission).

Conditions:
Cardiovascular phenotype. Identifiers: MedGen CN230736.

gnomAD v4.1: 2 of 1,551,054 alleles (0.00013%); highest among the groups gnomAD compares: South Asian, 0.0012%; no homozygotes.

Submission:

Ambry Genetics
Classification: Uncertain significance for Cardiovascular phenotype. Last evaluated: 2026-04-27. Review status: criteria provided, single submitter. Criteria: Ambry Variant Classification Scheme 2023. Collection method: clinical testing. Allele origin: germline.
Comment: The p.M238V variant (also known as c.712A>G), located in coding exon 5 of the LMF1 gene, results from an A to G substitution at nucleotide position 712. The methionine at codon 238 is replaced by valine, an amino acid with highly similar properties. This amino acid position is conserved. In addition, the in silico prediction for this alteration is inconclusive. Based on the available evidence, the clinical significance of this variant remains unclear.